The following is an entry in ClinVar:

NM_001330078.2(NRXN1):c.3833G>A (p.Ser1278Asn)

Gene: NRXN1 (neurexin 1; minus strand). Cytogenetic location: 2p16.3.
Variant type: single nucleotide variant.
Coding change: c.3833G>A on transcript NM_001330078.2 (MANE Select); coding-DNA position 3833, G replaced by A.
Protein change: p.Ser1278Asn; replaces serine 1278 with asparagine.
Molecular consequence: missense variant.
Genome position (GRCh38, 1-based): chr2:50,053,566, C>T on the plus strand (G>A on the coding strand, the complement: NRXN1 is on the minus strand). VCF-style: chr2-50053566-C-T. GRCh37 (hg19) VCF-style: chr2-50280704-C-T.
Other names: c.3953G>A, p.Ser1318Asn (NM_001135659.3); c.3809G>A, p.Ser1270Asn (NM_001330077.2, NM_001330082.2); c.3677G>A, p.Ser1226Asn (NM_001330083.2); c.3767G>A, p.Ser1256Asn (NM_001330084.2); c.3806G>A, p.Ser1269Asn (NM_001330085.2); c.3833G>A, p.Ser1278Asn (NM_001330086.2); c.3632G>A, p.Ser1211Asn (NM_001330087.2, NM_001330096.2); c.3662G>A, p.Ser1221Asn (NM_001330088.2); and 6 more; short protein forms S1248N, S1256N, S1278N, S1318N, S1211N, S1270N, S1274N, S1277N.
Identifiers: ClinVar variation 2006047 (VCV002006047.4), dbSNP rs2467638125, ClinGen allele CA346819954.

ClinVar aggregate classification (germline): Uncertain significance (1 of 4 stars; one submission).

Conditions:
Pitt-Hopkins-like syndrome 2 (PTHSL2). Identifiers: Orphanet 221150, Orphanet 600663, MedGen C3280479, MONDO:0013690, OMIM 614325.

Allele frequency attached by ClinVar (database versions not stated): gnomAD exomes below 0.00001.
gnomAD v4.1: 1 of 1,613,998 alleles (0.000062%); highest among the groups gnomAD compares: Non-Finnish European, 0.000085%; no homozygotes.

Submission:

Labcorp Genetics (formerly Invitae), Labcorp
Classification: Uncertain significance for Pitt-Hopkins-like syndrome 2. Last evaluated: 2022-06-14. Review status: criteria provided, single submitter. Criteria: Invitae Variant Classification Sherloc (09022015). Collection method: clinical testing. Allele origin: germline.
Comment: In summary, the available evidence is currently insufficient to determine the role of this variant in disease. Therefore, it has been classified as a Variant of Uncertain Significance. Algorithms developed to predict the effect of missense changes on protein structure and function are either unavailable or do not agree on the potential impact of this missense change (SIFT: "Tolerated"; PolyPhen-2: "Possibly Damaging"; Align-GVGD: "Class C0"). This variant has not been reported in the literature in individuals affected with NRXN1-related conditions. This variant is not present in population databases (gnomAD no frequency). This sequence change replaces serine, which is neutral and polar, with asparagine, which is neutral and polar, at codon 1318 of the NRXN1 protein (p.Ser1318Asn).